The following is an entry in ClinVar:

NM_000138.5(FBN1):c.4456A>G (p.Thr1486Ala)

Gene: FBN1 (fibrillin 1; minus strand). Cytogenetic location: 15q21.1.
Variant type: single nucleotide variant.
Coding change: c.4456A>G on transcript NM_000138.5 (MANE Select); coding-DNA position 4456, A replaced by G.
Protein change: p.Thr1486Ala; replaces threonine 1486 with alanine.
Molecular consequence: missense variant.
Genome position (GRCh38, 1-based): chr15:48,470,637, T>C on the plus strand (A>G on the coding strand, the complement: FBN1 is on the minus strand). VCF-style: chr15-48470637-T-C. GRCh37 (hg19) VCF-style: chr15-48762834-T-C.
Other names: c.4456A>G, p.Thr1486Ala (NM_001406716.1); short protein forms T1486A.
Identifiers: ClinVar variation 3385056 (VCV003385056.2).
Genomic context (GRCh38, chr15:48,470,637, plus strand): 5'-ATAGCTGGGTCCCCCGGGACACCAGGGAGCTGATTTTGATGCCAGTGGAGGTCTTACCTG[T>C]GCAGTTCCCGCCGCTTCTGTCCAGTTCGTAGCCTATCTCACACTCACAGCGGAACAGGCC-3'
Protein context (NP_000129.3, residues 1476-1496): YELDRSGGNC[Thr1486Ala]DVNECLDPTT

ClinVar aggregate classification (germline): Uncertain significance. Review status: criteria provided, multiple submitters, no conflicts (2 of 4 stars). 2 submissions from 2 submitters: Uncertain significance (2). Last evaluated 2025-10-24.

Conditions:
Marfan syndrome (MFS). Also called: MARFAN SYNDROME, TYPE I; Marfan syndrome type 1; Marfan's syndrome; FBN1-Related Marfan Syndrome; Marfan syndrome, classic. Identifiers: Orphanet 284963, Orphanet 558, MedGen C0024796, MONDO:0007947, OMIM 154700.
Familial thoracic aortic aneurysm and aortic dissection (TAAD). Also called: Thoracic aortic aneurysms and dissections. Identifiers: Orphanet 91387, MedGen C4707243, MONDO:0019625.

Submissions (2):

Labcorp Genetics (formerly Invitae), Labcorp
Classification: Uncertain significance for Marfan syndrome; Familial thoracic aortic aneurysm and aortic dissection. Last evaluated: 2025-10-24. Review status: criteria provided, single submitter. Criteria: Invitae Variant Classification Sherloc (09022015). Collection method: clinical testing. Allele origin: germline.
Comment: This sequence change replaces threonine, which is neutral and polar, with alanine, which is neutral and non-polar, at codon 1486 of the FBN1 protein (p.Thr1486Ala). This variant is not present in population databases (gnomAD no frequency). This missense change has been observed in individual(s) with clinical features of thoracic aortic aneurysm and dissection (internal data). ClinVar contains an entry for this variant (Variation ID: 3385056). Invitae Evidence Modeling of protein sequence and biophysical properties (such as structural, functional, and spatial information, amino acid conservation, physicochemical variation, residue mobility, and thermodynamic stability) indicates that this missense variant is expected to disrupt FBN1 protein function with a positive predictive value of 95%. In summary, the available evidence is currently insufficient to determine the role of this variant in disease. Therefore, it has been classified as a Variant of Uncertain Significance.

Women's Health and Genetics/Laboratory Corporation of America, LabCorp
Classification: Uncertain significance. Last evaluated: 2024-10-28. Review status: criteria provided, single submitter. Criteria: LabCorp Variant Classification Summary - May 2015. Collection method: clinical testing. Allele origin: germline.
Comment: Variant summary: FBN1 c.4456A>G (p.Thr1486Ala) results in a non-conservative amino acid change located in the EGF-like domain (IPR000742) of the encoded protein sequence. Five of five in-silico tools predict a damaging effect of the variant on protein function. The frequency data for this variant in gnomAD is considered unreliable, as metrics indicate poor data quality at this position. To our knowledge, no occurrence of c.4456A>G in individuals affected with Aortopathy and no experimental evidence demonstrating its impact on protein function have been reported. No submitters have cited clinical-significance assessments for this variant to ClinVar. Based on the evidence outlined above, the variant was classified as uncertain significance.